The following is an entry in ClinVar:

ClinVar aggregate classification (germline): Uncertain significance. Review status: criteria provided, multiple submitters, no conflicts (2 of 4 stars). 2 submissions from 2 submitters: Uncertain significance (2). Last evaluated 2024-09-18.

Conditions:
Familial adenomatous polyposis 1 (FAP1). Also called: FAMILIAL ADENOMATOUS POLYPOSIS 1, ATTENUATED; POLYPOSIS, ADENOMATOUS INTESTINAL. Identifiers: MedGen C2713442, MONDO:0021056, OMIM 175100. Disease mechanism: loss of function.
Hereditary cancer-predisposing syndrome. Also called: Tumor predisposition; Neoplastic Syndromes, Hereditary; Hereditary Cancer Syndrome; Hereditary neoplastic syndrome. Identifiers: Orphanet 140162, MedGen C0027672, MeSH D009386, MONDO:0015356.

Allele frequency attached by ClinVar (database versions not stated): gnomAD exomes below 0.00001; ExAC 0.00001.
gnomAD v4.1: 2 of 1,613,442 alleles (0.00012%); highest among the groups gnomAD compares: Non-Finnish European, 0.00017%; no homozygotes.

Submissions (2):

Ambry Genetics
Classification: Uncertain significance for Hereditary cancer-predisposing syndrome. Last evaluated: 2024-09-18. Review status: criteria provided, single submitter. Criteria: Ambry Variant Classification Scheme 2023. Collection method: clinical testing. Allele origin: germline.
Comment: The p.M2364V variant (also known as c.7090A>G), located in coding exon 15 of the APC gene, results from an A to G substitution at nucleotide position 7090. The methionine at codon 2364 is replaced by valine, an amino acid with highly similar properties. This amino acid position is conserved. In addition, in silico predictors for this gene do not accurately predict pathogenicity. Based on the available evidence, the clinical significance of this variant remains unclear.

Labcorp Genetics (formerly Invitae), Labcorp
Classification: Uncertain significance for Familial adenomatous polyposis 1. Last evaluated: 2022-11-30. Review status: criteria provided, single submitter. Criteria: Invitae Variant Classification Sherloc (09022015). Collection method: clinical testing. Allele origin: germline.
Comment: In summary, the available evidence is currently insufficient to determine the role of this variant in disease. Therefore, it has been classified as a Variant of Uncertain Significance. This sequence change replaces methionine, which is neutral and non-polar, with valine, which is neutral and non-polar, at codon 2364 of the APC protein (p.Met2364Val). This variant is present in population databases (rs768929466, gnomAD 0.0009%). This variant has not been reported in the literature in individuals affected with APC-related conditions. Advanced modeling of protein sequence and biophysical properties (such as structural, functional, and spatial information, amino acid conservation, physicochemical variation, residue mobility, and thermodynamic stability) performed at Invitae indicates that this missense variant is not expected to disrupt APC protein function.

NM_000038.6(APC):c.7090A>G (p.Met2364Val)

Gene: APC (APC regulator of Wnt signaling pathway; plus strand). Cytogenetic location: 5q22.2.
Variant type: single nucleotide variant.
Coding change: c.7090A>G on transcript NM_000038.6 (MANE Select); coding-DNA position 7090, A replaced by G.
Protein change: p.Met2364Val; replaces methionine 2364 with valine.
Molecular consequence: missense variant.
Genome position (GRCh38, 1-based): chr5:112,842,684, A>G. VCF-style: chr5-112842684-A-G. GRCh37 (hg19) VCF-style: chr5-112178381-A-G.
Other names: c.6913A>G, p.Met2305Val (NM_001407453.1, NM_001354901.2); c.6841A>G, p.Met2281Val (NM_001407454.1, NM_001407455.1, NM_001407456.1 and 1 more transcripts); c.6241A>G, p.Met2081Val (NM_001354906.2, NM_001407470.1); c.7174A>G, p.Met2392Val (NM_001407446.1); c.7144A>G, p.Met2382Val (NM_001407447.1, NM_001407448.1, NM_001407449.1 and 1 more transcripts); c.7090A>G, p.Met2364Val (NM_001407450.1, NM_001127510.3, NM_001354895.2); c.7069A>G, p.Met2357Val (NM_001407451.1); c.7060A>G, p.Met2354Val (NM_001407452.1); and 12 more; short protein forms M2204V, M2235V, M2263V, M2281V, M2305V, M2336V, M2339V, M2354V.
Identifiers: ClinVar variation 2082323 (VCV002082323.5), dbSNP rs768929466, ClinGen allele CA046864.
Genomic context (GRCh38, chr5:112,842,684, plus strand): 5'-CAACTTCCAAGGACATCATCCCCTAGTACTGCTTCAACTAAGTCCTCAGGTTCTGGAAAA[A>G]TGTCATATACATCTCCAGGTAGACAGATGAGCCAACAGAACCTTACCAAACAAACAGGTT-3'
Protein context (NP_000029.2, residues 2354-2374): ASTKSSGSGK[Met2364Val]SYTSPGRQMS